The following is an entry in ClinVar:

NM_015386.3(COG4):c.1947C>T (p.Asn649=)

Gene: COG4 (component of oligomeric golgi complex 4; minus strand). Cytogenetic location: 16q22.1.
Variant type: single nucleotide variant.
Coding change: c.1947C>T on transcript NM_015386.3 (MANE Select); coding-DNA position 1947, C replaced by T.
Protein change: p.Asn649=; no amino-acid change (asparagine 649 retained).
Molecular consequence: synonymous variant. On other transcripts: non-coding transcript variant (1).
Genome position (GRCh38, 1-based): chr16:70,482,149, G>A on the plus strand (C>T on the coding strand, the complement: COG4 is on the minus strand). VCF-style: chr16-70482149-G-A. GRCh37 (hg19) VCF-style: chr16-70516052-G-A.
Other names: c.1872C>T, p.Asn624= (NM_001195139.2); c.1521C>T, p.Asn507= (NM_001365426.1).
Identifiers: ClinVar variation 512464 (VCV000512464.1), dbSNP rs767131534, ClinGen allele CA283481858.
Genomic context (GRCh38, chr16:70,482,149, plus strand): 5'-CACCTTGAACTCTGCCATTTGCTGCTCCAGGTTAAGGATGAACTGTTGTACCCAAGGGTC[G>A]TTGGCCTCATAGTCATTGAATTCTTCCTGTTGTCAGGAAGCAGGGCTGGTCACCATGGGC-3'
Protein context (NP_056201.2, residues 639-659): EEEEFNDYEA[Asn649=]DPWVQQFILN

ClinVar aggregate classification (germline): Likely benign (1 of 4 stars; one submission).

Allele frequency attached by ClinVar (database versions not stated): TOPMed 0.00003; gnomAD 0.00004.
gnomAD v4.1: 59 of 1,613,660 alleles (0.0037%); highest among the groups gnomAD compares: East Asian, 0.0045%; no homozygotes.

Submission:

GeneDx
Classification: Likely benign. Last evaluated: 2017-10-13. Review status: criteria provided, single submitter. Criteria: GeneDx Variant Classification (06012015). Collection method: clinical testing. Allele origin: germline. Affected: yes.
Comment: This variant is considered likely benign or benign based on one or more of the following criteria: it is a conservative change, it occurs at a poorly conserved position in the protein, it is predicted to be benign by multiple in silico algorithms, and/or has population frequency not consistent with disease.